The following is an entry in ClinVar:

NM_198253.3(TERT):c.2456G>A (p.Arg819His)

Gene: TERT (telomerase reverse transcriptase; minus strand). Cytogenetic location: 5p15.33.
Variant type: single nucleotide variant.
Coding change: c.2456G>A on transcript NM_198253.3 (MANE Select); coding-DNA position 2456, G replaced by A.
Protein change: p.Arg819His; replaces arginine 819 with histidine.
Molecular consequence: missense variant.
Genome position (GRCh38, 1-based): chr5:1,271,131, C>T on the plus strand (G>A on the coding strand, the complement: TERT is on the minus strand). VCF-style: chr5-1271131-C-T. GRCh37 (hg19) VCF-style: chr5-1271246-C-T.
Other names: c.2456G>A, p.Arg819His (NM_001193376.3); short protein forms R819H.
Identifiers: ClinVar variation 471866 (VCV000471866.9), dbSNP rs1343662571, ClinGen allele CA359075678.

ClinVar aggregate classification (germline): Uncertain significance. Review status: criteria provided, multiple submitters, no conflicts (2 of 4 stars). 2 submissions from 2 submitters: Uncertain significance (2). Last evaluated 2025-10-05.

Conditions:
Dyskeratosis congenita, autosomal dominant 2. Identifiers: MedGen C3151443, MONDO:0013521, OMIM 613989.
Idiopathic Pulmonary Fibrosis. Also called: Idiopathic fibrosing alveolitis, chronic form; idiopathic fibrosing alveolitis. Identifiers: Orphanet 2032, MedGen C1800706, MeSH D054990, MONDO:0800504.
Dyskeratosis congenita. Identifiers: Orphanet 1775, MedGen C0265965, MONDO:0015780.

Allele frequency attached by ClinVar (database versions not stated): TOPMed below 0.00001; gnomAD 0.00001; gnomAD exomes 0.00001.
gnomAD v4.1: 11 of 1,612,910 alleles (0.00068%); highest among the groups gnomAD compares: African/African-American, 0.0013%; no homozygotes.

Submissions (2):

Labcorp Genetics (formerly Invitae), Labcorp
Classification: Uncertain significance for Dyskeratosis congenita, autosomal dominant 2; Idiopathic Pulmonary Fibrosis. Last evaluated: 2025-10-05. Review status: criteria provided, single submitter. Criteria: Invitae Variant Classification Sherloc (09022015). Collection method: clinical testing. Allele origin: germline.
Comment: This sequence change replaces arginine, which is basic and polar, with histidine, which is basic and polar, at codon 819 of the TERT protein (p.Arg819His). This variant is present in population databases (no rsID available, gnomAD 0.007%). This missense change has been observed in individual(s) with aplastic anemia (PMID: 30523342). ClinVar contains an entry for this variant (Variation ID: 471866). Invitae Evidence Modeling of protein sequence and biophysical properties (such as structural, functional, and spatial information, amino acid conservation, physicochemical variation, residue mobility, and thermodynamic stability) has been performed for this missense variant. However, the output from this modeling did not meet the statistical confidence thresholds required to predict the impact of this variant on TERT protein function. In summary, the available evidence is currently insufficient to determine the role of this variant in disease. Therefore, it has been classified as a Variant of Uncertain Significance.

Ambry Genetics
Classification: Uncertain significance for Dyskeratosis congenita. Last evaluated: 2025-09-24. Review status: criteria provided, single submitter. Criteria: Ambry Variant Classification Scheme 2023. Collection method: clinical testing. Allele origin: germline.
Comment: The p.R819H variant (also known as c.2456G>A), located in coding exon 8 of the TERT gene, results from a G to A substitution at nucleotide position 2456. The arginine at codon 819 is replaced by histidine, an amino acid with highly similar properties. This amino acid position is not well conserved in available vertebrate species. In addition, the in silico prediction for this alteration is inconclusive. Based on the available evidence, the clinical significance of this variant remains unclear.

Literature cited by the submitters: PubMed 30523342 (cited by Labcorp Genetics (formerly Invitae), Labcorp).